The following is an entry in ClinVar:

ClinVar aggregate classification (germline): Pathogenic/Likely pathogenic. Review status: criteria provided, multiple submitters, no conflicts (2 of 4 stars). 5 submissions from 5 submitters: Pathogenic (1); Likely pathogenic (4). Last evaluated 2022-06-22.

Conditions:
Baraitser-Winter syndrome 1 (BRWS1). Also called: MENTAL RETARDATION WITH EPILEPSY AND CHARACTERISTIC FACIES; Cerebrofrontofacial syndrome; BARAITSER-WINTER SYNDROME 1, ATYPICAL; PACHYGYRIA, MENTAL RETARDATION, EPILEPSY, AND CHARACTERISTIC FACIES. Identifiers: Orphanet 2649, Orphanet 2995, MedGen C1855722, MONDO:0009470, OMIM 243310.
ACTB-related BAFopathy.

Submissions (5):

Women's Health and Genetics/Laboratory Corporation of America, LabCorp
Classification: Likely pathogenic for Baraitser-Winter syndrome 1. Last evaluated: 2022-06-22. Review status: criteria provided, single submitter. Criteria: LabCorp Variant Classification Summary - May 2015. Collection method: clinical testing. Allele origin: germline.
Comment: Variant summary: ACTB c.629G>A (p.Arg210His) results in a non-conservative amino acid change in the encoded protein sequence. Five of five in-silico tools predict a damaging effect of the variant on protein function. The variant was absent in 251186 control chromosomes (gnomAD). The available data on variant occurrences in the general population are insufficient to allow any conclusion about variant significance. c.629G>A has not been reported in the literature, but has been found occuring de novo in at least one individual affected with Baraitser-Winter Syndrome 1 within ClinVar (SCV002515277.1). Additionally, a different amino acid substitution in the same codon has been found in a de novo patient with Baraitser-Winter syndrome (ClinVar: 807362, SCV001149665.1), suggesting this amino acid residue is important for protein function. To our knowledge, no experimental evidence demonstrating an impact on protein function has been reported. Four ClinVar submitters have assessed the variant since 2014: three classified the variant as likely pathogenic, and one as pathogenic. Based on the evidence outlined above, the variant was classified as likely pathogenic.

Daryl Scott Lab, Baylor College of Medicine
Classification: Likely pathogenic for Baraitser-Winter syndrome 1. Last evaluated: 2022-02-01. Review status: criteria provided, single submitter. Criteria: ACMG Guidelines, 2015. Collection method: clinical testing. Allele origin: de novo. Affected: yes. Observed: 1 variant allele.

Baylor Genetics
Classification: Likely pathogenic for ACTB-related BAFopathy. Last evaluated: 2021-06-10. Review status: criteria provided, single submitter. Criteria: ACMG Guidelines, 2015. Collection method: clinical testing. Allele origin: de novo. Affected: yes.

Rady Children's Institute for Genomic Medicine, Rady Children's Hospital San Diego
Classification: Likely pathogenic for BARAITSER-WINTER SYNDROME 1. Last evaluated: 2020-07-09. Review status: criteria provided, single submitter. Criteria: ACMG Guidelines, 2015. Collection method: clinical testing. Allele origin: germline. Affected: yes.
Comment: This variant has not been previously reported or functionally characterized in the literature to our knowledge. In addition, a different missense change affecting the same amino acid residue, c.628C>T (p.Arg210Cys), is reported in Clinar as de novo (Variation ID: 807362). The c.629G>A (p.Arg210His) is absent from the gnomAD population database and thus is presumed to be rare. The c.629G>A (p.Arg210His) variant affects a highly conserved amino acid in a highly conserved region of the protein and is predicted by multiple in silico tools to have a deleterious effect on protein function. Analysis of the parental samples was negative for the variant, indicating this variant likely occurred as a de novo event. Based on the available evidence, the c.629G>A (p.Arg210His) variant is classified as Likely Pathogenic.

GeneDx
Classification: Pathogenic. Last evaluated: 2017-02-22. Review status: criteria provided, single submitter. Criteria: GeneDx Variant Classification (06012015). Collection method: clinical testing. Allele origin: germline. Affected: yes.
Comment: The R210H variant in the ACTB gene has not been reported previously as a pathogenic variant nor as a benign variant, to our knowledge. This variant is not observed in large population cohorts (Lek et al., 2016; 1000 Genomes Consortium et al., 2015; Exome Variant Server). Although the R210H variant is a conservative amino acid substitution, this substitution occurs at a position that is conserved across species, and in silico analysis predicts this variant is probably damaging to the protein structure/function. Furthermore, a missense variant in a nearby residue (V209M) has been reported in the Human Gene Mutation Database in association with Baraitser-Winter cerebrofrontofacial syndrome (Stenson et al., 2014), supporting the functional importance of this region of the protein. We interpret R210H as a pathogenic variant

Literature cited by the submitters: PubMed 36474027 (cited by Daryl Scott Lab, Baylor College of Medicine).

NM_001101.5(ACTB):c.629G>A (p.Arg210His)

Gene: ACTB (actin beta; minus strand). Cytogenetic location: 7p22.1.
Variant type: single nucleotide variant.
Coding change: c.629G>A on transcript NM_001101.5 (MANE Select); coding-DNA position 629, G replaced by A.
Protein change: p.Arg210His; replaces arginine 210 with histidine.
Molecular consequence: missense variant.
Genome position (GRCh38, 1-based): chr7:5,528,454, C>T on the plus strand (G>A on the coding strand, the complement: ACTB is on the minus strand). VCF-style: chr7-5528454-C-T. GRCh37 (hg19) VCF-style: chr7-5568085-C-T.
Other names: c.629G>A (LRG_132t1); short protein forms R210H.
Identifiers: ClinVar variation 418804 (VCV000418804.7), dbSNP rs1064793444, ClinGen allele CA16618480.